The following is an entry in ClinVar:

ClinVar aggregate classification (germline): Uncertain significance (1 of 4 stars; one submission).

Allele frequency attached by ClinVar (database versions not stated): gnomAD exomes below 0.00001; ExAC 0.00001.
gnomAD v4.1: 1 of 1,613,994 alleles (0.000062%); highest among the groups gnomAD compares: Admixed American, 0.0017%; no homozygotes.

Submission:

Labcorp Genetics (formerly Invitae), Labcorp
Classification: Uncertain significance. Last evaluated: 2021-11-02. Review status: criteria provided, single submitter. Criteria: Invitae Variant Classification Sherloc (09022015). Collection method: clinical testing. Allele origin: germline.
Comment: This sequence change replaces aspartic acid, which is acidic and polar, with valine, which is neutral and non-polar, at codon 2167 of the VCAN protein (p.Asp2167Val). This variant is present in population databases (rs765299048, gnomAD 0.003%). This variant has not been reported in the literature in individuals affected with VCAN-related conditions. Algorithms developed to predict the effect of missense changes on protein structure and function are either unavailable or do not agree on the potential impact of this missense change (SIFT: "Deleterious"; PolyPhen-2: "Benign"; Align-GVGD: "Class C15"). In summary, the available evidence is currently insufficient to determine the role of this variant in disease. Therefore, it has been classified as a Variant of Uncertain Significance.

NM_004385.5(VCAN):c.6500A>T (p.Asp2167Val)

Genes: VCAN (versican; plus strand), VCAN-AS1 (VCAN antisense RNA 1; minus strand). Cytogenetic location: 5q14.3.
Variant type: single nucleotide variant.
Coding change: c.6500A>T on transcript NM_004385.5 (MANE Select); coding-DNA position 6500, A replaced by T.
Protein change: p.Asp2167Val; replaces aspartic acid 2167 with valine.
Molecular consequence: missense variant. On other transcripts: intron variant (2).
Genome position (GRCh38, 1-based): chr5:83,539,503, A>T. VCF-style: chr5-83539503-A-T. GRCh37 (hg19) VCF-style: chr5-82835322-A-T.
Other names: c.3539A>T, p.Asp1180Val (NM_001164097.2); c.4004-6034A>T (NM_001164098.2); c.1043-6034A>T (NM_001126336.3); short protein forms D1180V, D2167V.
Identifiers: ClinVar variation 1390785 (VCV001390785.6), dbSNP rs765299048, ClinGen allele CA3333487.